The following is an entry in ClinVar:

ClinVar aggregate classification (germline): Uncertain significance (1 of 4 stars; one submission).

Conditions:
Ehlers-Danlos syndrome, classic type, 1 (EDSCL1). Also called: EHLERS-DANLOS SYNDROME, GRAVIS TYPE; EHLERS-DANLOS SYNDROME, SEVERE CLASSIC TYPE; Ehlers-Danlos syndrome, type 1; Ehlers-Danlos Syndrome, Classic Type, COL5A1-Related; EDS I. Identifiers: MedGen C0268335, MONDO:0019567, OMIM 130000.

Allele frequency attached by ClinVar (database versions not stated): gnomAD exomes below 0.00001.
gnomAD v4.1: 2 of 1,607,120 alleles (0.00012%); highest among the groups gnomAD compares: East Asian, 0.0022%; no homozygotes.

Submission:

Labcorp Genetics (formerly Invitae), Labcorp
Classification: Uncertain significance for Ehlers-Danlos syndrome, classic type, 1. Last evaluated: 2024-04-29. Review status: criteria provided, single submitter. Criteria: Invitae Variant Classification Sherloc (09022015). Collection method: clinical testing. Allele origin: germline.
Comment: This sequence change replaces glycine, which is neutral and non-polar, with alanine, which is neutral and non-polar, at codon 927 of the COL5A2 protein (p.Gly927Ala). This variant is not present in population databases (gnomAD no frequency). This variant has not been reported in the literature in individuals affected with COL5A2-related conditions. Advanced modeling of protein sequence and biophysical properties (such as structural, functional, and spatial information, amino acid conservation, physicochemical variation, residue mobility, and thermodynamic stability) performed at Invitae indicates that this missense variant is expected to disrupt COL5A2 protein function with a positive predictive value of 80%. In summary, the available evidence is currently insufficient to determine the role of this variant in disease. Therefore, it has been classified as a Variant of Uncertain Significance.

NM_000393.5(COL5A2):c.2780G>C (p.Gly927Ala)

Gene: COL5A2 (collagen type V alpha 2 chain; minus strand). Cytogenetic location: 2q32.2.
Variant type: single nucleotide variant.
Coding change: c.2780G>C on transcript NM_000393.5 (MANE Select); coding-DNA position 2780, G replaced by C.
Protein change: p.Gly927Ala; replaces glycine 927 with alanine.
Molecular consequence: missense variant.
Genome position (GRCh38, 1-based): chr2:189,051,471, C>G on the plus strand (G>C on the coding strand, the complement: COL5A2 is on the minus strand). VCF-style: chr2-189051471-C-G. GRCh37 (hg19) VCF-style: chr2-189916197-C-G.
Other names: short protein forms G927A.
Identifiers: ClinVar variation 2868206 (VCV002868206.3), dbSNP rs887006122, ClinGen allele CA62595760.